The following is an entry in ClinVar:

NM_016148.5(SHANK1):c.122G>A (p.Arg41Gln)

Gene: SHANK1 (SH3 and multiple ankyrin repeat domains 1; minus strand). Cytogenetic location: 19q13.33.
Variant type: single nucleotide variant.
Coding change: c.122G>A on transcript NM_016148.5 (MANE Select); coding-DNA position 122, G replaced by A.
Protein change: p.Arg41Gln; replaces arginine 41 with glutamine.
Molecular consequence: missense variant.
Genome position (GRCh38, 1-based): chr19:50,716,798, C>T on the plus strand (G>A on the coding strand, the complement: SHANK1 is on the minus strand). VCF-style: chr19-50716798-C-T. GRCh37 (hg19) VCF-style: chr19-51220055-C-T.
Other names: short protein forms R41Q.
Identifiers: ClinVar variation 1254712 (VCV001254712.2), dbSNP rs558942714, ClinGen allele CA9602236.

ClinVar aggregate classification (germline): Uncertain significance (1 of 4 stars; one submission).

Allele frequency attached by ClinVar (database versions not stated): gnomAD exomes 0.00001 and 0.00004; TOPMed 0.00003; ExAC 0.00004; gnomAD 0.00006; 1000 Genomes Project 30x 0.00016; 1000 Genomes Project 0.00020.
gnomAD v4.1: 26 of 1,593,656 alleles (0.0016%); highest among the groups gnomAD compares: African/African-American, 0.0041%; no homozygotes.

Submission:

GeneDx
Classification: Uncertain significance. Last evaluated: 2019-11-05. Review status: criteria provided, single submitter. Criteria: GeneDx Variant Classification Process June 2021. Collection method: clinical testing. Allele origin: germline. Affected: yes.
Comment: In silico analysis, which includes protein predictors and evolutionary conservation, supports that this variant does not alter protein structure/function; Has not been previously published as pathogenic or benign to our knowledge; Variants in candidate genes are classified as variants of uncertain significance in accordance with ACMG guidelines (Richards et al., 2015)